The following is an entry in ClinVar:

NM_001844.5(COL2A1):c.1430G>T (p.Gly477Val)

Gene: COL2A1 (collagen type II alpha 1 chain; minus strand). Cytogenetic location: 12q13.11.
Variant type: single nucleotide variant.
Coding change: c.1430G>T on transcript NM_001844.5 (MANE Select); coding-DNA position 1430, G replaced by T.
Protein change: p.Gly477Val; replaces glycine 477 with valine.
Molecular consequence: missense variant.
Genome position (GRCh38, 1-based): chr12:47,986,433, C>A on the plus strand (G>T on the coding strand, the complement: COL2A1 is on the minus strand). VCF-style: chr12-47986433-C-A. GRCh37 (hg19) VCF-style: chr12-48380216-C-A.
Other names: c.1223G>T, p.Gly408Val (NM_033150.3); short protein forms G408V, G477V.
Identifiers: ClinVar variation 4856242 (VCV004856242.1).
Genomic context (GRCh38, chr12:47,986,433, plus strand): 5'-GGCTCTCCACGGGCACCTCTCTTGCCTTCTTCACCAGCGGGTCCAGGGGCTCCCTGGGGG[C>A]CAGCAGGGCCCTGAGGACCAGCAAAAAAGAGAAACAGAGTGAGCCTTCACCTGGCCTTGG-3'
Protein context (NP_001835.3, residues 467-487): QGPKGEPGPA[Gly477Val]PQGAPGPAGE

ClinVar aggregate classification (germline): Likely pathogenic (1 of 4 stars; one submission).

Conditions:
COL2A1-related disorder. Also called: COL2A1-related condition; COL2A1-related disorders.

Submission:

3billion
Classification: Likely pathogenic for COL2A1-related disorder. Last evaluated: 2025-12-16. Review status: criteria provided, single submitter. Criteria: ACMG Guidelines, 2015. Collection method: clinical testing. Allele origin: germline. Affected: yes.
Comment: The variant is not observed in the gnomAD v4.1.0 dataset. Predicted Consequence/Location: The variant is located in a mutational hot spot and/or well-established functional domain in which established pathogenic variants have been reported (PMID: 26626311). In silico tool predictions suggest damaging effect of the variant on gene or gene product [REVEL: 0.99 (>=0.6, sensitivity 0.68 and specificity 0.92); 3Cnet: 0.99 (> 0.75, sensitivity 0.96 and precision 0.92)]. The same nucleotide change resulting in the same amino acid change has been previously reported to be associated with COL2A1-related disorder (PMID: 15076581). A different missense change at the same codon (p.Gly477Arg) has been reported to be associated with COL2A1-related disorder (ClinVar ID: VCV002498555). Therefore, this variant is classified as Likely pathogenic according to the recommendation of ACMG/AMP guideline.

Literature cited by the submitters: PubMed 15076581.